The following is an entry in ClinVar:

ClinVar aggregate classification (germline): Uncertain significance (1 of 4 stars; one submission).

Conditions:
Hypotonia. Also called: Muscular hypotonia; poor muscle tone. Identifiers: MedGen C0026827, HP:0001252.

Submission:

Clinical Genetics Laboratory, Skane University Hospital Lund
Classification: Uncertain significance for Hypotonia. Last evaluated: 2025-03-06. Review status: criteria provided, single submitter. Criteria: ACMG Guidelines, 2015. Collection method: clinical testing. Allele origin: de novo. Affected: yes.
Comment: PM2, PP3

NM_000824.5(GLRB):c.919C>A (p.Leu307Ile)

Gene: GLRB (glycine receptor beta; plus strand). Cytogenetic location: 4q32.1.
Variant type: single nucleotide variant.
Coding change: c.919C>A on transcript NM_000824.5 (MANE Select); coding-DNA position 919, C replaced by A.
Protein change: p.Leu307Ile; replaces leucine 307 with isoleucine.
Molecular consequence: missense variant. On other transcripts: intron variant (1).
Genome position (GRCh38, 1-based): chr4:157,152,732, C>A. VCF-style: chr4-157152732-C-A. GRCh37 (hg19) VCF-style: chr4-158073884-C-A.
Other names: c.919C>A, p.Leu307Ile (NM_001166060.2); c.904+8773C>A (NM_001166061.2); short protein forms L307I.
Identifiers: ClinVar variation 3767138 (VCV003767138.1).
Genomic context (GRCh38, chr4:157,152,732, plus strand): 5'-TCATAGGGATAAAAAGCAACTTTCATTCCTCTTTCTGTTTCTGTAGGTATCTTCTCAGTC[C>A]TCAGCTTGGCCTCTGAGTGCACAACCCTTGCCGCTGAGCTTCCCAAAGTTTCCTATGTGA-3'
Protein context (NP_000815.1, residues 297-317): ARVPLGIFSV[Leu307Ile]SLASECTTLA